The following is an entry in ClinVar:

ClinVar aggregate classification (germline): Uncertain significance (1 of 4 stars; one submission).

Conditions:
Mitochondrial hypertrophic cardiomyopathy with lactic acidosis due to MTO1 deficiency. Also called: Combined oxidative phosphorylation deficiency 10; CARDIOMYOPATHY, INFANTILE HYPERTROPHIC MITOCHONDRIAL, AND LACTIC ACIDOSIS. Identifiers: Orphanet 314637, MedGen C4749921, MONDO:0013865, OMIM 614702.

Allele frequency attached by ClinVar (database versions not stated): ExAC 0.00002; gnomAD exomes 0.00002.
gnomAD v4.1: 30 of 1,614,056 alleles (0.0019%); highest among the groups gnomAD compares: South Asian, 0.029%; 1 homozygote.

Submission:

Labcorp Genetics (formerly Invitae), Labcorp
Classification: Uncertain significance for Mitochondrial hypertrophic cardiomyopathy with lactic acidosis due to MTO1 deficiency. Last evaluated: 2022-10-17. Review status: criteria provided, single submitter. Criteria: Invitae Variant Classification Sherloc (09022015). Collection method: clinical testing. Allele origin: germline.
Comment: This sequence change replaces valine, which is neutral and non-polar, with leucine, which is neutral and non-polar, at codon 232 of the MTO1 protein (p.Val232Leu). This variant is present in population databases (rs773474822, gnomAD 0.02%). This variant has not been reported in the literature in individuals affected with MTO1-related conditions. Advanced modeling of protein sequence and biophysical properties (such as structural, functional, and spatial information, amino acid conservation, physicochemical variation, residue mobility, and thermodynamic stability) performed at Invitae indicates that this missense variant is not expected to disrupt MTO1 protein function. In summary, the available evidence is currently insufficient to determine the role of this variant in disease. Therefore, it has been classified as a Variant of Uncertain Significance.

NM_012123.4(MTO1):c.694G>T (p.Val232Leu)

Gene: MTO1 (mitochondrial tRNA translation optimization 1; plus strand). Cytogenetic location: 6q13.
Variant type: single nucleotide variant.
Coding change: c.694G>T on transcript NM_012123.4 (MANE Select); coding-DNA position 694, G replaced by T.
Protein change: p.Val232Leu; replaces valine 232 with leucine.
Molecular consequence: missense variant.
Genome position (GRCh38, 1-based): chr6:73,473,523, G>T. VCF-style: chr6-73473523-G-T. GRCh37 (hg19) VCF-style: chr6-74183246-G-T.
Other names: c.694G>T, p.Val232Leu (NM_001123226.2, NM_133645.3); short protein forms V232L.
Identifiers: ClinVar variation 2040175 (VCV002040175.1), dbSNP rs773474822, ClinGen allele CA3889422.